The following is an entry in ClinVar:

NM_000264.5(PTCH1):c.3804T>C (p.Thr1268=)

Gene: PTCH1 (patched 1; minus strand). Cytogenetic location: 9q22.32.
Variant type: single nucleotide variant.
Coding change: c.3804T>C on transcript NM_000264.5 (MANE Select); coding-DNA position 3804, T replaced by C.
Protein change: p.Thr1268=; no amino-acid change (threonine 1268 retained).
Molecular consequence: synonymous variant. On other transcripts: non-coding transcript variant (1).
Genome position (GRCh38, 1-based): chr9:95,449,069, A>G on the plus strand (T>C on the coding strand, the complement: PTCH1 is on the minus strand). VCF-style: chr9-95449069-A-G. GRCh37 (hg19) VCF-style: chr9-98211351-A-G.
Other names: c.3606T>C, p.Thr1202= (NM_001083602.3); c.3801T>C, p.Thr1267= (NM_001083603.3); c.3351T>C, p.Thr1117= (NM_001083604.3, NM_001083605.3, NM_001083606.3 and 1 more transcripts); c.3648T>C, p.Thr1216= (NM_001354918.2); c.3804T>C (NM_000264.4).
Identifiers: ClinVar variation 453867 (VCV000453867.15), dbSNP rs951501624, ClinGen allele CA196566007.

ClinVar aggregate classification (germline): Conflicting classifications of pathogenicity. Review status: criteria provided, conflicting classifications (1 of 4 stars). 4 submissions from 4 submitters: Uncertain significance (2); Likely benign (2). Last evaluated 2025-12-26.

Conditions:
Hereditary cancer-predisposing syndrome. Also called: Tumor predisposition; Hereditary neoplastic syndrome; Neoplastic Syndromes, Hereditary; Hereditary Cancer Syndrome. Identifiers: Orphanet 140162, MedGen C0027672, MeSH D009386, MONDO:0015356.
Gorlin syndrome. Also called: Nevoid Basal Cell Carcinoma Syndrome; Basal cell nevus syndrome. Identifiers: Orphanet 377, MedGen C0004779, MONDO:0007187.
PTCH1-related disorder. Also called: PTCH1-related disorders; PTCH1-related condition.

Allele frequency attached by ClinVar (database versions not stated): gnomAD exomes below 0.00001; TOPMed below 0.00001; gnomAD 0.00001.
gnomAD v4.1: 3 of 1,614,090 alleles (0.00019%); highest among the groups gnomAD compares: Non-Finnish European, 0.00025%; no homozygotes.

Submissions (4):

PreventionGenetics, part of Exact Sciences
Classification: Uncertain significance for PTCH1-related condition. Last evaluated: 2025-12-26. Review status: criteria provided, single submitter. Criteria: ACMG Guidelines, 2015. Collection method: clinical testing. Allele origin: germline.
Comment: The PTCH1 c.3804T>C variant is not predicted to result in an amino acid change (p.=). To our knowledge, this variant has not been reported in the literature or in a large population database (gnomAD), indicating this variant is rare. This variant is not anticipated to impact splicing (SpliceAI, Jaganathan K, et al. 2019. PubMed ID: 30661751). This variant has conflicting interpretations in ClinVar ranging from uncertain to likely benign (Variation ID: 453867). Although we suspect that this variant may be benign, at this time, the clinical significance of this variant is uncertain due to the absence of conclusive functional and genetic evidence.

Quest Diagnostics Nichols Institute San Juan Capistrano
Classification: Likely benign. Last evaluated: 2025-03-21. Review status: criteria provided, single submitter. Criteria: Quest Diagnostics criteria. Collection method: clinical testing. Allele origin: unknown.

Labcorp Genetics (formerly Invitae), Labcorp
Classification: Uncertain significance for Gorlin syndrome. Last evaluated: 2024-10-02. Review status: criteria provided, single submitter. Criteria: Invitae Variant Classification Sherloc (09022015). Collection method: clinical testing. Allele origin: germline.
Comment: This sequence change affects codon 1268 of the PTCH1 mRNA. It is a 'silent' change, meaning that it does not change the encoded amino acid sequence of the PTCH1 protein. It affects a nucleotide within the consensus splice site. This variant is not present in population databases (gnomAD no frequency). This variant has not been reported in the literature in individuals affected with PTCH1-related conditions. ClinVar contains an entry for this variant (Variation ID: 453867). Algorithms developed to predict the effect of sequence changes on RNA splicing suggest that this variant is not likely to affect RNA splicing. In summary, the available evidence is currently insufficient to determine the role of this variant in disease. Therefore, it has been classified as a Variant of Uncertain Significance.

Ambry Genetics
Classification: Likely benign for Hereditary cancer-predisposing syndrome. Last evaluated: 2021-01-14. Review status: criteria provided, single submitter. Criteria: Ambry Variant Classification Scheme 2023. Collection method: clinical testing. Allele origin: germline.